The following is an entry in ClinVar:

NM_178452.6(DNAAF1):c.620T>G (p.Leu207Arg)

Gene: DNAAF1 (dynein axonemal assembly factor 1; plus strand). Cytogenetic location: 16q24.1.
Variant type: single nucleotide variant.
Coding change: c.620T>G on transcript NM_178452.6 (MANE Select); coding-DNA position 620, T replaced by G.
Protein change: p.Leu207Arg; replaces leucine 207 with arginine.
Molecular consequence: missense variant.
Genome position (GRCh38, 1-based): chr16:84,155,628, T>G. VCF-style: chr16-84155628-T-G. GRCh37 (hg19) VCF-style: chr16-84189233-T-G.
Other names: short protein forms L207R.
Identifiers: ClinVar variation 410280 (VCV000410280.9), dbSNP rs1060502830, ClinGen allele CA16615011.

ClinVar aggregate classification (germline): Uncertain significance (1 of 4 stars; one submission).

Conditions:
Primary ciliary dyskinesia. Also called: Ciliary dyskinesia. Identifiers: Orphanet 244, MedGen C0008780, MONDO:0016575, HP:0012265.

Submission:

Labcorp Genetics (formerly Invitae), Labcorp
Classification: Uncertain significance for Primary ciliary dyskinesia. Last evaluated: 2016-09-27. Review status: criteria provided, single submitter. Criteria: Invitae Variant Classification Sherloc (09022015). Collection method: clinical testing. Allele origin: germline.
Comment: In summary, this variant is a novel missense change with uncertain impact on protein function. It has been classified as a Variant of Uncertain Significance. Algorithms developed to predict the effect of missense changes on protein structure and function (SIFT, PolyPhen-2, Align-GVGD) all suggest that this variant is likely to be disruptive, but these predictions have not been confirmed by published functional studies. This variant is not present in population databases (ExAC no frequency) and has not been reported in the literature in individuals with a DNAAF1-related disease. This sequence change replaces leucine with arginine at codon 207 of the DNAAF1 protein (p.Leu207Arg). The leucine residue is highly conserved and there is a moderate physicochemical difference between leucine and arginine.